The following is an entry in ClinVar:

ClinVar aggregate classification (germline): Uncertain significance (1 of 4 stars; one submission).

Submission:

Labcorp Genetics (formerly Invitae), Labcorp
Classification: Uncertain significance. Last evaluated: 2024-10-18. Review status: criteria provided, single submitter. Criteria: Invitae Variant Classification Sherloc (09022015). Collection method: clinical testing. Allele origin: germline.
Comment: This sequence change replaces arginine, which is basic and polar, with proline, which is neutral and non-polar, at codon 123 of the IFT57 protein (p.Arg123Pro). This variant is present in population databases (rs769003981, gnomAD 0.0009%). This variant has not been reported in the literature in individuals affected with IFT57-related conditions. An algorithm developed to predict the effect of missense changes on protein structure and function (PolyPhen-2) suggests that this variant is likely to be disruptive. In summary, the available evidence is currently insufficient to determine the role of this variant in disease. Therefore, it has been classified as a Variant of Uncertain Significance.

NM_018010.4(IFT57):c.368G>C (p.Arg123Pro)

Gene: IFT57 (intraflagellar transport 57; minus strand). Cytogenetic location: 3q13.13.
Variant type: single nucleotide variant.
Coding change: c.368G>C on transcript NM_018010.4 (MANE Select); coding-DNA position 368, G replaced by C.
Protein change: p.Arg123Pro; replaces arginine 123 with proline.
Molecular consequence: missense variant.
Genome position (GRCh38, 1-based): chr3:108,219,417, C>G on the plus strand (G>C on the coding strand, the complement: IFT57 is on the minus strand). VCF-style: chr3-108219417-C-G. GRCh37 (hg19) VCF-style: chr3-107938264-C-G.
Other names: short protein forms R123P.
Identifiers: ClinVar variation 3676898 (VCV003676898.2).